The following is an entry in ClinVar:

ClinVar aggregate classification (germline): Uncertain significance (1 of 4 stars; one submission).

Allele frequency attached by ClinVar (database versions not stated): gnomAD exomes below 0.00001.
gnomAD v4.1: 3 of 1,612,834 alleles (0.00019%); highest among the groups gnomAD compares: Non-Finnish European, 0.00025%; no homozygotes.

Submission:

GeneDx
Classification: Uncertain significance. Last evaluated: 2022-01-27. Review status: criteria provided, single submitter. Criteria: GeneDx Variant Classification Process June 2021. Collection method: clinical testing. Allele origin: germline. Affected: yes.
Comment: Not observed at significant frequency in large population cohorts (gnomAD); In silico analysis supports that this missense variant does not alter protein structure/function; Has not been previously published as pathogenic or benign to our knowledge

NM_016239.4(MYO15A):c.1281C>A (p.His427Gln)

Gene: MYO15A (myosin XVA; plus strand). Cytogenetic location: 17p11.2.
Variant type: single nucleotide variant.
Coding change: c.1281C>A on transcript NM_016239.4 (MANE Select); coding-DNA position 1281, C replaced by A.
Protein change: p.His427Gln; replaces histidine 427 with glutamine.
Molecular consequence: missense variant.
Genome position (GRCh38, 1-based): chr17:18,120,081, C>A. VCF-style: chr17-18120081-C-A. GRCh37 (hg19) VCF-style: chr17-18023395-C-A.
Other names: short protein forms H427Q.
Identifiers: ClinVar variation 1699777 (VCV001699777.2), dbSNP rs2142245461, ClinGen allele CA398578939.